The following is an entry in ClinVar:

NM_080911.3(UNG):c.570A>G (p.Ile190Met)

Gene: UNG (uracil DNA glycosylase; plus strand). Cytogenetic location: 12q24.11.
Variant type: single nucleotide variant.
Coding change: c.570A>G on transcript NM_080911.3 (MANE Select); coding-DNA position 570, A replaced by G.
Protein change: p.Ile190Met; replaces isoleucine 190 with methionine.
Molecular consequence: missense variant.
Genome position (GRCh38, 1-based): chr12:109,102,875, A>G. VCF-style: chr12-109102875-A-G. GRCh37 (hg19) VCF-style: chr12-109540680-A-G.
Other names: c.543A>G, p.Ile181Met (NM_003362.4); short protein forms I190M, I181M.
Identifiers: ClinVar variation 3654790 (VCV003654790.2).

ClinVar aggregate classification (germline): Uncertain significance. Review status: criteria provided, multiple submitters, no conflicts (2 of 4 stars). 2 submissions from 2 submitters: Uncertain significance (2). Last evaluated 2024-10-22.

Conditions:
Hyper-IgM syndrome type 5 (HIGM5). Also called: Hyper-IgM Immunodeficiency Syndrome, Type 5. Identifiers: Orphanet 101092, MedGen C1720958, MONDO:0011971, OMIM 608106.

Submissions (2):

Labcorp Genetics (formerly Invitae), Labcorp
Classification: Uncertain significance for Hyper-IgM syndrome type 5. Last evaluated: 2024-10-22. Review status: criteria provided, single submitter. Criteria: Invitae Variant Classification Sherloc (09022015). Collection method: clinical testing. Allele origin: germline.
Comment: This sequence change replaces isoleucine, which is neutral and non-polar, with methionine, which is neutral and non-polar, at codon 190 of the UNG protein (p.Ile190Met). This variant is present in population databases (rs769977037, gnomAD 0.002%). This variant has not been reported in the literature in individuals affected with UNG-related conditions. Invitae Evidence Modeling of protein sequence and biophysical properties (such as structural, functional, and spatial information, amino acid conservation, physicochemical variation, residue mobility, and thermodynamic stability) indicates that this missense variant is not expected to disrupt UNG protein function with a negative predictive value of 80%. In summary, the available evidence is currently insufficient to determine the role of this variant in disease. Therefore, it has been classified as a Variant of Uncertain Significance.

Blueprint Genetics
Classification: Uncertain significance. Last evaluated: 2024-05-16. Review status: criteria provided, single submitter. Criteria: ACMG Guidelines, 2015. Collection method: clinical testing. Allele origin: germline.